The following is an entry in ClinVar:

NM_016128.4(COPG1):c.1545-65A>C

Gene: COPG1 (COPI coat complex subunit gamma 1; plus strand). Cytogenetic location: 3q21.3.
Variant type: single nucleotide variant.
Coding change: c.1545-65A>C on transcript NM_016128.4 (MANE Select); 65 bases into the intron before coding-DNA position 1545, A replaced by C.
Molecular consequence: intron variant.
Genome position (GRCh38, 1-based): chr3:129,267,872, A>C. VCF-style: chr3-129267872-A-C. GRCh37 (hg19) VCF-style: chr3-128986715-A-C.
Identifiers: ClinVar variation 2688267 (VCV002688267.2), dbSNP rs61128088, ClinGen allele CA11584885.

ClinVar aggregate classification (germline): Benign (1 of 4 stars; one submission).

Allele frequency attached by ClinVar (database versions not stated): gnomAD exomes 0.12925; gnomAD 0.24827; TOPMed 0.27103; 1000 Genomes Project 0.27416; 1000 Genomes Project 30x 0.28139.

Submission:

Unidad de Genómica Garrahan, Hospital de Pediatría Garrahan
Classification: Benign. Last evaluated: 2024-01-24. Review status: criteria provided, single submitter. Criteria: ACMG Guidelines, 2015. Collection method: clinical testing. Allele origin: germline. Affected: no. Observed: 27 variant alleles.
Comment: This variant is classified as Benign based on local population frequency. This variant was detected in 28% of patients studied by a panel of primary immunodeficiencies. Number of patients: 27. Only high quality variants are reported.